The following is an entry in ClinVar:

ClinVar aggregate classification (germline): Likely benign. Review status: criteria provided, single submitter (1 of 4 stars). 2 submissions from 2 submitters: Likely benign (1). 1 of the submissions does not count toward it. Last evaluated 2023-08-27.

Conditions:
PGM1-related disorder. Also called: PGM1-related condition; PGM1-related disorders.
PGM1-congenital disorder of glycosylation. Also called: CDG It; Congenital disorder of glycosylation type 1t; PHOSPHOGLUCOMUTASE 1 DEFICIENCY; PGM1 DEFICIENCY; GLYCOGEN STORAGE DISEASE XIV; GSD XIV. Identifiers: Orphanet 319646, MedGen C2752015, MONDO:0013968, OMIM 614921.

Allele frequency attached by ClinVar (database versions not stated): TOPMed below 0.00001; gnomAD exomes 0.00002.
gnomAD v4.1: 25 of 1,605,932 alleles (0.0016%); highest among the groups gnomAD compares: Non-Finnish European, 0.002%; no homozygotes.

Submissions (2):

Labcorp Genetics (formerly Invitae), Labcorp
Classification: Likely benign for PGM1-congenital disorder of glycosylation. Last evaluated: 2023-08-27. Review status: criteria provided, single submitter. Criteria: Invitae Variant Classification Sherloc (09022015). Collection method: clinical testing. Allele origin: germline.

PreventionGenetics, part of Exact Sciences
Classification: Likely benign for PGM1-related condition. Last evaluated: 2020-07-28. Review status: no assertion criteria provided. Collection method: clinical testing. Allele origin: germline. Not counted in ClinVar's aggregate classification.
Comment: This variant is classified as likely benign based on ACMG/AMP sequence variant interpretation guidelines (Richards et al. 2015 PMID: 25741868, with internal and published modifications).

NM_002633.3(PGM1):c.180C>T (p.Gly60=)

Genes: PGM1 (phosphoglucomutase 1; plus strand), LOC129930668 (ATAC-STARR-seq lymphoblastoid active region 1127; plus strand). Cytogenetic location: 1p31.3.
Variant type: single nucleotide variant.
Coding change: c.180C>T on transcript NM_002633.3 (MANE Select); coding-DNA position 180, C replaced by T.
Protein change: p.Gly60=; no amino-acid change (glycine 60 retained).
Molecular consequence: synonymous variant.
Genome position (GRCh38, 1-based): chr1:63,593,668, C>T. VCF-style: chr1-63593668-C-T. GRCh37 (hg19) VCF-style: chr1-64059339-C-T.
Other names: c.180C>T (NM_002633.2).
Identifiers: ClinVar variation 2729626 (VCV002729626.5), dbSNP rs201354576, ClinGen allele CA418268643.